The following is an entry in ClinVar:

NM_006231.4(POLE):c.3459+1G>A

Gene: POLE (DNA polymerase epsilon, catalytic subunit; minus strand). Cytogenetic location: 12q24.33.
Variant type: single nucleotide variant.
Coding change: c.3459+1G>A on transcript NM_006231.4 (MANE Select); the canonical splice donor site of the intron after coding-DNA position 3459, G replaced by A.
Molecular consequence: splice donor variant.
Genome position (GRCh38, 1-based): chr12:132,657,348, C>T on the plus strand (G>A on the coding strand, the complement: POLE is on the minus strand). VCF-style: chr12-132657348-C-T. GRCh37 (hg19) VCF-style: chr12-133233934-C-T.
Other names: c.3459+1G>A (NM_006231.2).
Identifiers: ClinVar variation 540653 (VCV000540653.8), dbSNP rs1555225184, ClinGen allele CA387388924.

ClinVar aggregate classification (germline): Conflicting classifications of pathogenicity. Review status: criteria provided, conflicting classifications (1 of 4 stars). 2 submissions from 2 submitters: Likely pathogenic (1); Uncertain significance (1). Last evaluated 2026-01-05.

Conditions:
Hereditary cancer-predisposing syndrome. Also called: Tumor predisposition; Hereditary Cancer Syndrome; Neoplastic Syndromes, Hereditary; Hereditary neoplastic syndrome. Identifiers: Orphanet 140162, MedGen C0027672, MeSH D009386, MONDO:0015356.

Submissions (2):

Ambry Genetics
Classification: Uncertain significance for Hereditary cancer-predisposing syndrome. Last evaluated: 2026-01-05. Review status: criteria provided, single submitter. Criteria: Ambry Variant Classification Scheme 2023. Collection method: clinical testing. Allele origin: germline.
Comment: The c.3459+1G>A intronic variant results from a G to A substitution one nucleotide after coding exon 28 of the POLE gene. This nucleotide position is highly conserved in available vertebrate species. In silico splice site analysis predicts that this alteration will weaken the native splice donor site and will result in the creation or strengthening of a novel splice donor site; however, direct evidence is insufficient at this time (Ambry internal data). Alterations that disrupt the canonical splice site are expected to cause aberrant splicing, resulting in an abnormal protein or a transcript that is subject to nonsense-mediated mRNA decay. Although biallelic loss of function of POLE has been associated with autosomal recessive POLE deficiency, haploinsufficiency of POLE has not been established as a mechanism of disease for POLE-related polymerase proofreading-associated polyposis (PPAP) and POLE-related CMMRD-like syndrome. Based on the supporting evidence, this variant is expected to be causative of POLE deficiency when present along with a second pathogenic variant on the other allele; however, its clinical significance for PPAP and POLE-related CMMRD-like syndrome is unclear.

Labcorp Genetics (formerly Invitae), Labcorp
Classification: Likely pathogenic. Last evaluated: 2024-05-29. Review status: criteria provided, single submitter. Criteria: Invitae Variant Classification Sherloc (09022015). Collection method: clinical testing. Allele origin: germline.
Comment: This sequence change affects a donor splice site in intron 28 of the POLE gene. It is expected to disrupt RNA splicing. Variants that disrupt the donor or acceptor splice site typically lead to a loss of protein function (PMID: 16199547), and loss-of-function variants in POLE are known to be pathogenic (PMID: 23230001, 25948378, 30503519). This variant is not present in population databases (gnomAD no frequency). This variant has not been reported in the literature in individuals affected with POLE-related conditions. ClinVar contains an entry for this variant (Variation ID: 540653). Algorithms developed to predict the effect of sequence changes on RNA splicing suggest that this variant may disrupt the consensus splice site. In summary, the currently available evidence indicates that the variant is pathogenic, but additional data are needed to prove that conclusively. Therefore, this variant has been classified as Likely Pathogenic.

Literature cited by the submitters: PubMed 16199547 (cited by Labcorp Genetics (formerly Invitae), Labcorp); PubMed 23230001 (cited by Labcorp Genetics (formerly Invitae), Labcorp); PubMed 25948378 (cited by Labcorp Genetics (formerly Invitae), Labcorp); PubMed 30503519 (cited by Labcorp Genetics (formerly Invitae), Labcorp).